The following is an entry in ClinVar:

NM_001365902.3(NFIX):c.338_342dup (p.Arg116fs)

Gene: NFIX (nuclear factor I X; plus strand). Cytogenetic location: 19p13.13.
Variant type: Duplication.
Coding change: c.338_342dup on transcript NM_001365902.3 (MANE Select); coding-DNA positions 338 to 342, 5 bases duplicated (AGATC; older notation c.338_342dupAGATC).
Protein change: p.Arg116fs; shifts the reading frame from arginine 116.
Molecular consequence: frameshift variant.
Genome position (GRCh38, 1-based): chr19:13,025,331-13,025,335, AGATC duplicated. VCF-style (leftmost placement, unchanged base first): chr19-13025330-A-AAGATC. GRCh37 (hg19) VCF-style: chr19-13136144-A-AAGATC.
Other names: c.362_366dup, p.Arg124fs (NM_001271043.2); c.314_318dup, p.Arg108fs (NM_001271044.3, NM_001378404.1); c.338_342dup, p.Arg116fs (NM_001365982.2, NM_002501.4); c.197_201dup, p.Arg69fs (NM_001365983.2); c.335_339dup, p.Arg115fs (NM_001365984.2, NM_001365985.2); c.386_390dup, p.Arg132fs (NM_001378405.1); short protein forms R116fs, R124fs, R115fs, R108fs, R69fs, R132fs.
Identifiers: ClinVar variation 209174 (VCV000209174.2), dbSNP rs797045056, ClinGen allele CA250382.

ClinVar aggregate classification (germline): Pathogenic (1 of 4 stars; one submission).

Conditions:
Malan overgrowth syndrome (MALNS). Also called: MALAN SYNDROME; Sotos syndrome 2; NFIX-Related Malan Syndrome. Identifiers: Orphanet 420179, MedGen C3553660, MONDO:0013885, OMIM 614753.

Submission:

Baylor Genetics
Classification: Pathogenic for Sotos syndrome 2. Last evaluated: 2013-04-16. Review status: criteria provided, single submitter. Criteria: Yang et al. 2013. Collection method: clinical testing. Allele origin: de novo. Inheritance: Autosomal dominant inheritance. Affected: yes. Observed: 1 variant allele, 1 heterozygote. Study: Adult_WES.

Literature cited by the submitters: PubMed 26633545.